The following is an entry in ClinVar:

NM_052947.4(ALPK2):c.4437T>A (p.Ala1479=)

Genes: ALPK2 (alpha kinase 2; minus strand), LOC126862764 (BRD4-independent group 4 enhancer GRCh37_chr18:56202574-56203773; plus strand). Cytogenetic location: 18q21.31.
Variant type: single nucleotide variant.
Coding change: c.4437T>A on transcript NM_052947.4 (MANE Select); coding-DNA position 4437, T replaced by A.
Protein change: p.Ala1479=; no amino-acid change (alanine 1479 retained).
Molecular consequence: synonymous variant.
Genome position (GRCh38, 1-based): chr18:58,535,750, A>T on the plus strand (T>A on the coding strand, the complement: ALPK2 is on the minus strand). VCF-style: chr18-58535750-A-T. GRCh37 (hg19) VCF-style: chr18-56202982-A-T.
Identifiers: ClinVar variation 3059289 (VCV003059289.2), dbSNP rs3826594, ClinGen allele CA8976703.

ClinVar aggregate classification (germline): Benign (0 of 4 stars; one submission).

Conditions:
ALPK2-related disorder. Also called: ALPK2-related condition.

Allele frequency attached by ClinVar (database versions not stated): 1000 Genomes Project 30x 0.66802; 1000 Genomes Project 0.67292; TOPMed 0.68115; ESP Exome Variant Server 0.68368; ExAC 0.74673; gnomAD exomes 0.76906.
gnomAD v4.1: 1,229,357 of 1,614,098 alleles (76%); highest among the groups gnomAD compares: East Asian, 81%; 471,881 homozygotes.

Submission:

PreventionGenetics, part of Exact Sciences
Classification: Benign for ALPK2-related condition. Last evaluated: 2019-10-17. Review status: no assertion criteria provided. Collection method: clinical testing. Allele origin: germline.
Comment: This variant is classified as benign based on ACMG/AMP sequence variant interpretation guidelines (Richards et al. 2015 PMID: 25741868, with internal and published modifications).